The following is an entry in ClinVar:

NM_005751.5(AKAP9):c.5851_5852delinsTT (p.Glu1951Leu)

Gene: AKAP9 (A-kinase anchoring protein 9; plus strand). Cytogenetic location: 7q21.2.
Variant type: Indel.
Coding change: c.5851_5852delinsTT on transcript NM_005751.5 (MANE Select); coding-DNA positions 5851 to 5852, GA replaced by TT.
Protein change: p.Glu1951Leu; replaces glutamic acid 1951 with leucine.
Molecular consequence: missense variant.
Genome position (GRCh38, 1-based): chr7:92,062,360-92,062,361, GA replaced by TT. VCF-style: chr7-92062360-GA-TT. GRCh37 (hg19) VCF-style: chr7-91691674-GA-TT.
Other names: c.496_497delinsTT, p.Glu166Leu (NM_001379277.1); c.5851_5852delinsTT, p.Glu1951Leu (NM_147185.3); short protein forms E1951L, E166L.
Identifiers: ClinVar variation 2193293 (VCV002193293.4), dbSNP rs2535195003, ClinGen allele CA2580077445.

ClinVar aggregate classification (germline): Uncertain significance (1 of 4 stars; one submission).

Conditions:
Long QT syndrome (LQTS). Identifiers: MedGen C0023976, MeSH D008133, MONDO:0002442. Disease mechanism: loss of function. Inheritance: Various modes of inheritance.

Submission:

Labcorp Genetics (formerly Invitae), Labcorp
Classification: Uncertain significance for Long QT syndrome. Last evaluated: 2022-01-26. Review status: criteria provided, single submitter. Criteria: Invitae Variant Classification Sherloc (09022015). Collection method: clinical testing. Allele origin: germline.
Comment: This sequence change replaces glutamic acid, which is acidic and polar, with leucine, which is neutral and non-polar, at codon 1951 of the AKAP9 protein (p.Glu1951Leu). Information on the frequency of this variant in the gnomAD database is not available, as this variant may be reported differently in the database. This variant has not been reported in the literature in individuals affected with AKAP9-related conditions. Algorithms developed to predict the effect of missense changes on protein structure and function are either unavailable or do not agree on the potential impact of this missense change (SIFT: "Not Available"; PolyPhen-2: "Probably Damaging"; Align-GVGD: "Not Available"). Algorithms developed to predict the effect of sequence changes on RNA splicing suggest that this variant may create or strengthen a splice site. In summary, the available evidence is currently insufficient to determine the role of this variant in disease. Therefore, it has been classified as a Variant of Uncertain Significance.